The following is an entry in ClinVar:

NM_000318.3(PEX2):c.157G>T (p.Glu53Ter)

Gene: PEX2 (peroxisomal biogenesis factor 2; minus strand). Cytogenetic location: 8q21.13.
Variant type: single nucleotide variant.
Coding change: c.157G>T on transcript NM_000318.3 (MANE Select); coding-DNA position 157, G replaced by T.
Protein change: p.Glu53Ter; replaces glutamic acid 53 with a stop codon.
Molecular consequence: nonsense.
Genome position (GRCh38, 1-based): chr8:76,984,022, C>A on the plus strand (G>T on the coding strand, the complement: PEX2 is on the minus strand). VCF-style: chr8-76984022-C-A. GRCh37 (hg19) VCF-style: chr8-77896258-C-A.
Other names: c.157G>T, p.Glu53Ter (NM_001079867.2, NM_001172086.2, NM_001172087.2); c.157G>T (NM_000318.2); short protein forms E53*.
Identifiers: ClinVar variation 1432240 (VCV001432240.9), dbSNP rs1224562361, ClinGen allele CA371557972.

ClinVar aggregate classification (germline): Pathogenic/Likely pathogenic. Review status: criteria provided, multiple submitters, no conflicts (2 of 4 stars). 2 submissions from 2 submitters: Pathogenic (1); Likely pathogenic (1). Last evaluated 2023-04-18.

Conditions:
Peroxisome biogenesis disorder 5A (Zellweger) (PBD5A). Identifiers: Orphanet 912, MedGen C3553940, MONDO:0013932, OMIM 614866.

Allele frequency attached by ClinVar (database versions not stated): gnomAD exomes below 0.00001; TOPMed below 0.00001; gnomAD 0.00001.
gnomAD v4.1: 2 of 1,613,524 alleles (0.00012%); highest among the groups gnomAD compares: Non-Finnish European, 0.00017%; no homozygotes.

Submissions (2):

Baylor Genetics
Classification: Likely pathogenic for Peroxisome biogenesis disorder 5A (Zellweger). Last evaluated: 2023-04-18. Review status: criteria provided, single submitter. Criteria: ACMG Guidelines, 2015. Collection method: clinical testing. Allele origin: unknown.

Labcorp Genetics (formerly Invitae), Labcorp
Classification: Pathogenic for Peroxisome biogenesis disorder 5A (Zellweger). Last evaluated: 2020-10-31. Review status: criteria provided, single submitter. Criteria: Invitae Variant Classification Sherloc (09022015). Collection method: clinical testing. Allele origin: germline.
Comment: This sequence change creates a premature translational stop signal (p.Glu53*) in the PEX2 gene. While this is not anticipated to result in nonsense mediated decay, it is expected to disrupt the last 253 amino acid(s) of the PEX2 protein. This variant is not present in population databases (ExAC no frequency). This variant has not been reported in the literature in individuals with PEX2-related conditions. This variant disrupts the C-terminus of the PEX2 protein. Other variant(s) that disrupt this region (p.Arg184Valfs*8, p.Trp223*, p.Phe278Leufs*3) have been determined to be pathogenic (PMID: 10652207, 10652207, 14630978, 17041890). This suggests that variants that disrupt this region of the protein are likely to be causative of disease. For these reasons, this variant has been classified as Pathogenic.

Literature cited by the submitters: PubMed 10652207 (cited by Labcorp Genetics (formerly Invitae), Labcorp); PubMed 14630978 (cited by Labcorp Genetics (formerly Invitae), Labcorp); PubMed 17041890 (cited by Labcorp Genetics (formerly Invitae), Labcorp).